The following is an entry in ClinVar:

NM_000540.3(RYR1):c.1091A>G (p.Lys364Arg)

Gene: RYR1 (ryanodine receptor 1; plus strand). Cytogenetic location: 19q13.2.
Variant type: single nucleotide variant.
Coding change: c.1091A>G on transcript NM_000540.3 (MANE Select); coding-DNA position 1091, A replaced by G.
Protein change: p.Lys364Arg; replaces lysine 364 with arginine.
Molecular consequence: missense variant.
Genome position (GRCh38, 1-based): chr19:38,448,782, A>G. VCF-style: chr19-38448782-A-G. GRCh37 (hg19) VCF-style: chr19-38939422-A-G.
Other names: c.1091A>G, p.Lys364Arg (NM_001042723.2); short protein forms K364R.
Identifiers: ClinVar variation 4757294 (VCV004757294.1).

ClinVar aggregate classification (germline): Uncertain significance (1 of 4 stars; one submission).

Conditions:
Malignant hyperthermia, susceptibility to, 1 (MHS1). Also called: RYR1-Related Malignant Hyperthermia Susceptibility; Malignant hyperthermia suceptibility 1; Anesthesia related hyperthermia; Malignant hyperpyrexia; Fulminating hyperpyrexia; Pharmacogenic myopathy. Identifiers: Orphanet 423, MedGen C2930980, MONDO:0007783, OMIM 145600.

gnomAD v4.1: 39 of 1,614,034 alleles (0.0024%); highest among the groups gnomAD compares: East Asian, 0.085%; no homozygotes.

Submission:

Color Diagnostics, LLC DBA Color Health
Classification: Uncertain significance for Malignant hyperthermia, susceptibility to, 1. Last evaluated: 2025-06-20. Review status: criteria provided, single submitter. Criteria: ACMG Guidelines, 2015. Collection method: clinical testing. Allele origin: germline.
Comment: This missense variant replaces lysine with arginine at codon 364 of the RYR1 protein. Computational prediction is inconclusive regarding the impact of this variant on protein structure and function. To our knowledge, functional studies have not been reported for this variant. This variant has not been reported in individuals affected with RYR1-related disorders in the literature. This variant has been identified in 3/282716 chromosomes in the general population by the Genome Aggregation Database (gnomAD). The available evidence is insufficient to determine the role of this variant in disease conclusively. Therefore, this variant is classified as a Variant of Uncertain Significance.